The following is an entry in ClinVar:

NM_001256789.3(CACNA1F):c.920A>G (p.Asn307Ser)

Gene: CACNA1F (calcium voltage-gated channel subunit alpha1 F; minus strand). Cytogenetic location: Xp11.23.
Variant type: single nucleotide variant.
Coding change: c.920A>G on transcript NM_001256789.3 (MANE Select); coding-DNA position 920, A replaced by G.
Protein change: p.Asn307Ser; replaces asparagine 307 with serine.
Molecular consequence: missense variant.
Genome position (GRCh38, 1-based): chrX:49,228,345, T>C on the plus strand (A>G on the coding strand, the complement: CACNA1F is on the minus strand). VCF-style: chrX-49228345-T-C. GRCh37 (hg19) VCF-style: chrX-49084807-T-C.
Other names: c.725A>G, p.Asn242Ser (NM_001256790.3); c.920A>G, p.Asn307Ser (NM_005183.4); short protein forms N307S, N242S.
Identifiers: ClinVar variation 2712363 (VCV002712363.3), dbSNP rs782180501, ClinGen allele CA10410986.
Genomic context (GRCh38, chrX:49,228,345, plus strand): 5'-ACACACTGGAAGACTGTCAGCATGGCGAAGAAGAAGTTGTCAAAGTTGGTGATGCCTCCA[T>C]TGGGCCCTGGCCAGCGCCCGCGGCACTCAGTCTGGTTCAGCGTGCACGCACGCCCTGATC-3'
Protein context (NP_001243718.1, residues 297-317): TECRGRWPGP[Asn307Ser]GGITNFDNFF

ClinVar aggregate classification (germline): Uncertain significance (1 of 4 stars; one submission).

Allele frequency attached by ClinVar (database versions not stated): TOPMed 0.00001; gnomAD 0.00002; ExAC 0.00004.
gnomAD v4.1: 31 of 1,209,691 alleles (0.0026%); highest among the groups gnomAD compares: Middle Eastern, 0.023%; no homozygotes.

Submission:

Labcorp Genetics (formerly Invitae), Labcorp
Classification: Uncertain significance. Last evaluated: 2025-12-03. Review status: criteria provided, single submitter. Criteria: Invitae Variant Classification Sherloc (09022015). Collection method: clinical testing. Allele origin: germline.
Comment: This sequence change replaces asparagine, which is neutral and polar, with serine, which is neutral and polar, at codon 307 of the CACNA1F protein (p.Asn307Ser). This variant is present in population databases (rs782180501, gnomAD 0.02%), and has an allele count higher than expected for a pathogenic variant. This variant has not been reported in the literature in individuals affected with CACNA1F-related conditions. ClinVar contains an entry for this variant (Variation ID: 2712363). Invitae Evidence Modeling of protein sequence and biophysical properties (such as structural, functional, and spatial information, amino acid conservation, physicochemical variation, residue mobility, and thermodynamic stability) indicates that this missense variant is not expected to disrupt CACNA1F protein function with a negative predictive value of 80%. In summary, the available evidence is currently insufficient to determine the role of this variant in disease. Therefore, it has been classified as a Variant of Uncertain Significance.